The following is an entry in ClinVar:

NM_000969.5(RPL5):c.251C>G (p.Pro84Arg)

Genes: DIPK1A (divergent protein kinase domain 1A; minus strand), RPL5 (ribosomal protein L5; plus strand). Cytogenetic location: 1p22.1.
Variant type: single nucleotide variant.
Coding change: c.251C>G on transcript NM_000969.5 (MANE Select); coding-DNA position 251, C replaced by G.
Protein change: p.Pro84Arg; replaces proline 84 with arginine.
Molecular consequence: missense variant. On other transcripts: non-coding transcript variant (1), intron variant (1).
Genome position (GRCh38, 1-based): chr1:92,834,840, C>G. VCF-style: chr1-92834840-C-G. GRCh37 (hg19) VCF-style: chr1-93300397-C-G.
Other names: c.475-1806G>C (NM_001252273.2); short protein forms P84R.
Identifiers: ClinVar variation 1015515 (VCV001015515.9), dbSNP rs970129317, ClinGen allele CA26757888.

ClinVar aggregate classification (germline): Uncertain significance (1 of 4 stars; one submission).

Conditions:
Diamond-Blackfan anemia. Also called: Blackfan Diamond syndrome; Aregenerative anemia chronic congenital; Red cell aplasia, pure hereditary; Congenital hypoplastic anemia; Aase syndrome. Identifiers: Orphanet 124, MedGen C1260899, MeSH D029503, MONDO:0015253, HP:0004810.

Allele frequency attached by ClinVar (database versions not stated): TOPMed 0.00001.

Submission:

Labcorp Genetics (formerly Invitae), Labcorp
Classification: Uncertain significance for Diamond-Blackfan anemia. Last evaluated: 2024-04-11. Review status: criteria provided, single submitter. Criteria: Invitae Variant Classification Sherloc (09022015). Collection method: clinical testing. Allele origin: germline.
Comment: This sequence change replaces proline, which is neutral and non-polar, with arginine, which is basic and polar, at codon 84 of the RPL5 protein (p.Pro84Arg). This variant is not present in population databases (gnomAD no frequency). This variant has not been reported in the literature in individuals affected with RPL5-related conditions. ClinVar contains an entry for this variant (Variation ID: 1015515). Advanced modeling of protein sequence and biophysical properties (such as structural, functional, and spatial information, amino acid conservation, physicochemical variation, residue mobility, and thermodynamic stability) performed at Invitae indicates that this missense variant is expected to disrupt RPL5 protein function with a positive predictive value of 80%. In summary, the available evidence is currently insufficient to determine the role of this variant in disease. Therefore, it has been classified as a Variant of Uncertain Significance.